The following is an entry in ClinVar:

NM_001111125.3(IQSEC2):c.2911C>T (p.Arg971Ter)

Gene: IQSEC2 (IQ motif and Sec7 domain ArfGEF 2; minus strand). Cytogenetic location: Xp11.22.
Variant type: single nucleotide variant.
Coding change: c.2911C>T on transcript NM_001111125.3 (MANE Select); coding-DNA position 2911, C replaced by T.
Protein change: p.Arg971Ter; replaces arginine 971 with a stop codon.
Molecular consequence: nonsense.
Genome position (GRCh38, 1-based): chrX:53,241,888, G>A on the plus strand (C>T on the coding strand, the complement: IQSEC2 is on the minus strand). VCF-style: chrX-53241888-G-A. GRCh37 (hg19) VCF-style: chrX-53271070-G-A.
Other names: c.2296C>T, p.Arg766Ter (NM_015075.2); short protein forms R971*, R766*.
Identifiers: ClinVar variation 430286 (VCV000430286.26), dbSNP rs1131691887, ClinGen allele CA413149665.

ClinVar aggregate classification (germline): Pathogenic/Likely pathogenic. Review status: criteria provided, multiple submitters, no conflicts (2 of 4 stars). 5 submissions from 5 submitters: Pathogenic (4); Likely pathogenic (1). Last evaluated 2025-11-17.

Conditions:
Intellectual developmental disorder, X-linked 1. Also called: Intellectual disability, X-linked 1; Atkin Flaitz Patil Smith syndrome; MENTAL RETARDATION, X-LINKED 18; MENTAL RETARDATION, X-LINKED 78. Identifiers: Orphanet 777, MedGen C2931498, MONDO:0010656, OMIM 309530.

Submissions (5):

Labcorp Genetics (formerly Invitae), Labcorp
Classification: Pathogenic for Intellectual developmental disorder, X-linked 1. Last evaluated: 2025-11-17. Review status: criteria provided, single submitter. Criteria: Invitae Variant Classification Sherloc (09022015). Collection method: clinical testing. Allele origin: germline.
Comment: This sequence change creates a premature translational stop signal (p.Arg971*) in the IQSEC2 gene. It is expected to result in an absent or disrupted protein product. Loss-of-function variants in IQSEC2 are known to be pathogenic (PMID: 21686261, 26793055, 27665735). This variant is not present in population databases (gnomAD no frequency). This premature translational stop signal has been observed in individual(s) with clinical features of IQSEC2-related conditions (PMID: 30666632). In at least one individual the variant was observed to be de novo. ClinVar contains an entry for this variant (Variation ID: 430286). For these reasons, this variant has been classified as Pathogenic.

CeGaT Center for Human Genetics Tuebingen
Classification: Pathogenic. Last evaluated: 2025-08-01. Review status: criteria provided, single submitter. Criteria: CeGaT Center For Human Genetics Tuebingen Variant Classification Criteria Version 2. Collection method: clinical testing. Allele origin: germline. Affected: yes. Observed: 1 variant allele.
Comment: IQSEC2: PS2:Very Strong, PVS1, PM2, PS4:Moderate

3billion
Classification: Pathogenic for Intellectual developmental disorder, X-linked 1. Last evaluated: 2025-07-23. Review status: criteria provided, single submitter. Criteria: ACMG Guidelines, 2015. Collection method: clinical testing. Allele origin: germline. Affected: yes.
Comment: The variant is not observed in the gnomAD v4.1.0 dataset. Predicted Consequence/Location: Stop-gained (nonsense): predicted to result in a loss or disruption of normal protein function through nonsense-mediated decay (NMD) or protein truncation. Multiple pathogenic variants are reported downstream of the variant. The variant has been reported at least twice as pathogenic with clinical assertions and evidence for the classification (ClinVar ID: VCV000430286 /PMID: 30666632 /3billion dataset). Therefore, this variant is classified as Pathogenic according to the recommendation of ACMG/AMP guideline.

GeneDx
Classification: Pathogenic. Last evaluated: 2022-12-04. Review status: criteria provided, single submitter. Criteria: GeneDx Variant Classification Process June 2021. Collection method: clinical testing. Allele origin: germline. Affected: yes.
Comment: Nonsense variant predicted to result in protein truncation or nonsense mediated decay in a gene for which loss of function is a known mechanism of disease; Not observed at significant frequency in large population cohorts (gnomAD); This variant is associated with the following publications: (PMID: 31439632, 32741404, 30666632, 33504798, 33368194)

Laboratory of Molecular Genetics (Pr. Bezieau's lab), CHU de Nantes
Classification: Likely pathogenic. Last evaluated: 2019-05-16. Review status: criteria provided, single submitter. Criteria: ACMG Guidelines, 2015. Collection method: clinical testing. Allele origin: germline. Affected: yes.

Literature cited by the submitters: PubMed 21686261 (cited by Labcorp Genetics (formerly Invitae), Labcorp); PubMed 26793055 (cited by Labcorp Genetics (formerly Invitae), Labcorp); PubMed 27665735 (cited by Labcorp Genetics (formerly Invitae), Labcorp); PubMed 30666632 (cited by Labcorp Genetics (formerly Invitae), Labcorp and 3billion).